The following is an entry in ClinVar:

NM_001854.4(COL11A1):c.3683G>A (p.Gly1228Asp)

Gene: COL11A1 (collagen type XI alpha 1 chain; minus strand). Cytogenetic location: 1p21.1.
Variant type: single nucleotide variant.
Coding change: c.3683G>A on transcript NM_001854.4 (MANE Select); coding-DNA position 3683, G replaced by A.
Protein change: p.Gly1228Asp; replaces glycine 1228 with aspartic acid.
Molecular consequence: missense variant. On other transcripts: non-coding transcript variant (1).
Genome position (GRCh38, 1-based): chr1:102,921,543, C>T on the plus strand (G>A on the coding strand, the complement: COL11A1 is on the minus strand). VCF-style: chr1-102921543-C-T. GRCh37 (hg19) VCF-style: chr1-103387099-C-T.
Other names: c.3335G>A, p.Gly1112Asp (NM_001168249.1, NM_080630.4); c.3566G>A, p.Gly1189Asp (NM_001190709.2); c.3719G>A, p.Gly1240Asp (NM_080629.3); short protein forms G1112D, G1189D, G1228D, G1240D.
Identifiers: ClinVar variation 1717418 (VCV001717418.5), dbSNP rs2524553267, ClinGen allele CA341164313.

ClinVar aggregate classification (germline): Uncertain significance (1 of 4 stars; one submission).

Submission:

Labcorp Genetics (formerly Invitae), Labcorp
Classification: Uncertain significance. Last evaluated: 2022-08-21. Review status: criteria provided, single submitter. Criteria: Invitae Variant Classification Sherloc (09022015). Collection method: clinical testing. Allele origin: germline.
Comment: This variant has not been reported in the literature in individuals affected with COL11A1-related conditions. This variant is not present in population databases (gnomAD no frequency). This sequence change replaces glycine, which is neutral and non-polar, with aspartic acid, which is acidic and polar, at codon 1228 of the COL11A1 protein (p.Gly1228Asp). Advanced modeling of protein sequence and biophysical properties (such as structural, functional, and spatial information, amino acid conservation, physicochemical variation, residue mobility, and thermodynamic stability) performed at Invitae indicates that this missense variant is expected to disrupt COL11A1 protein function. In summary, the available evidence is currently insufficient to determine the role of this variant in disease. Therefore, it has been classified as a Variant of Uncertain Significance.